The following is an entry in ClinVar:

NM_001204.7(BMPR2):c.1156G>A (p.Glu386Lys)

Gene: BMPR2 (bone morphogenetic protein receptor type 2; plus strand). Cytogenetic location: 2q33.2.
Variant type: single nucleotide variant.
Coding change: c.1156G>A on transcript NM_001204.7 (MANE Select); coding-DNA position 1156, G replaced by A.
Protein change: p.Glu386Lys; replaces glutamic acid 386 with lysine.
Molecular consequence: missense variant.
Genome position (GRCh38, 1-based): chr2:202,532,612, G>A. VCF-style: chr2-202532612-G-A. GRCh37 (hg19) VCF-style: chr2-203397335-G-A.
Other names: NM_001204.7(BMPR2):c.1156G>A; p.Glu386Lys; c.1156G>A (LRG_712t1); short protein forms E386K.
Identifiers: ClinVar variation 425883 (VCV000425883.2), dbSNP rs1085307306, ClinGen allele CA350341736.

ClinVar aggregate classification (germline): Likely pathogenic. Review status: reviewed by expert panel (3 of 4 stars). 2 submissions from 2 submitters: Likely pathogenic (1). 1 of the submissions does not count toward it. Last evaluated 2024-11-06.

Conditions:
Pulmonary hypertension, primary, 1 (PPH1). Also called: Pulmonary hypertension, familial primary, 1, with or without HHT. Identifiers: Orphanet 422, MedGen C4552070, MONDO:0024533, OMIM 178600.
Pulmonary arterial hypertension. Identifiers: Orphanet 182090, MedGen C2973725, MeSH D000081029, MONDO:0015924, HP:0002092.

Submissions (2):

Clingen Pulmonary Hypertension Variant Curation Expert Panel, ClinGen
Classification: Likely pathogenic for Pulmonary arterial hypertension. Last evaluated: 2024-11-06. Review status: reviewed by expert panel. Criteria: ClinGen PH ACMG Specifications BMPR2 V1.1.0. Collection method: curation. Allele origin: germline. Inheritance: Autosomal dominant inheritance.
Comment: The BMPR2 c.1156G>A variant is a missense variant predicted to cause a glutamic acid to lysine substitution at amino acid position 386. The variant is absent from the gnomAD v2.1.1 control and v4.1.0 populations (PM2_supporting). The variant was reported in two manuscripts (PMID: 18503968 and PMID: 26387786), but they described the same patient, and therefore, PS4 is not met. Glu386Lys is located in the catalytic kinase domain and Glu386 is known to be an indispensable residue (PM1_strong). Other likely pathogenic missense variants causing a different amino acid change at the same residue have been reported, including Glu386Gln, Glu386Ala, Glu386Val, and Glu386Gly (PM5_supporting). Computational evidence for pathogenicity included a REVEL score of 0.961, which meets the threshold of >0.75 defined by the ClinGen Pulmonary Hypertension VCEP, and AlphaMissense 0.9961 (PP3 met but not BP4). Criteria not evaluated included PP1, PM6, and PS2 due to the absence of segregation evidence. Similarly, functional data is unavailable for this variant, so BS3 and PS3 were not evaluated. In summary, this variant meets the criteria to be classified as likely pathogenic (LP) for pulmonary arterial hypertension based on the ACMG/AMP criteria applied, as specified by the ClinGen Pulmonary Hypertension VCEP: PM1_strong, PM2_supporting, PM5_supporting, and PP3 (VCEP specification version 1.1, 1/18/2024).

Rare Disease Genomics Group, St George's University of London
Classification: Pathogenic for Primary pulmonary hypertension. Review status: no assertion criteria provided. Collection method: literature only. Allele origin: germline. Affected: yes. Not counted in ClinVar's aggregate classification.

Literature cited by the submitters: PubMed 18503968 (cited by Rare Disease Genomics Group, St George's University of London).